The following is an entry in ClinVar:

ClinVar aggregate classification (germline): Uncertain significance. Review status: criteria provided, multiple submitters, no conflicts (2 of 4 stars). 2 submissions from 2 submitters: Uncertain significance (2). Last evaluated 2025-07-05.

Conditions:
Hereditary cancer-predisposing syndrome. Also called: Hereditary neoplastic syndrome; Neoplastic Syndromes, Hereditary; Tumor predisposition; Hereditary Cancer Syndrome. Identifiers: Orphanet 140162, MedGen C0027672, MeSH D009386, MONDO:0015356.

gnomAD v4.1: 3 of 1,613,996 alleles (0.00019%); highest among the groups gnomAD compares: Non-Finnish European, 0.00025%; no homozygotes.

Submissions (2):

Ambry Genetics
Classification: Uncertain significance for Hereditary cancer-predisposing syndrome. Last evaluated: 2025-07-05. Review status: criteria provided, single submitter. Criteria: Ambry Variant Classification Scheme 2023. Collection method: clinical testing. Allele origin: germline.
Comment: The p.E261K variant (also known as c.781G>A), located in coding exon 5 of the NTHL1 gene, results from a G to A substitution at nucleotide position 781. The glutamic acid at codon 261 is replaced by lysine, an amino acid with similar properties. This amino acid position is conserved. In addition, this alteration is predicted to be tolerated by in silico analysis. Based on the available evidence, the clinical significance of this variant remains unclear.

Labcorp Genetics (formerly Invitae), Labcorp
Classification: Uncertain significance. Last evaluated: 2025-02-07. Review status: criteria provided, single submitter. Criteria: Invitae Variant Classification Sherloc (09022015). Collection method: clinical testing. Allele origin: germline.
Comment: This sequence change replaces glutamic acid, which is acidic and polar, with lysine, which is basic and polar, at codon 261 of the NTHL1 protein (p.Glu261Lys). This variant is not present in population databases (gnomAD no frequency). This variant has not been reported in the literature in individuals affected with NTHL1-related conditions. An algorithm developed to predict the effect of missense changes on protein structure and function outputs the following: PolyPhen-2: "Benign". The lysine amino acid residue is found in multiple mammalian species, which suggests that this missense change does not adversely affect protein function. In summary, the available evidence is currently insufficient to determine the role of this variant in disease. Therefore, it has been classified as a Variant of Uncertain Significance.

NM_002528.7(NTHL1):c.757G>A (p.Glu253Lys)

Gene: NTHL1 (nth like DNA glycosylase 1; minus strand). Cytogenetic location: 16p13.3.
Variant type: single nucleotide variant.
Coding change: c.757G>A on transcript NM_002528.7 (MANE Select); coding-DNA position 757, G replaced by A.
Protein change: p.Glu253Lys; replaces glutamic acid 253 with lysine.
Molecular consequence: missense variant.
Genome position (GRCh38, 1-based): chr16:2,040,167, C>T on the plus strand (G>A on the coding strand, the complement: NTHL1 is on the minus strand). VCF-style: chr16-2040167-C-T. GRCh37 (hg19) VCF-style: chr16-2090168-C-T.
Other names: c.586G>A, p.Glu196Lys (NM_001318193.2); c.427G>A, p.Glu143Lys (NM_001318194.2); short protein forms E143K, E196K, E253K.
Identifiers: ClinVar variation 4123321 (VCV004123321.2).